The following is an entry in ClinVar:

ClinVar aggregate classification (germline): Uncertain significance. Review status: criteria provided, multiple submitters, no conflicts (2 of 4 stars). 3 submissions from 3 submitters: Uncertain significance (3). Last evaluated 2025-02-21.

Conditions:
Primary dilated cardiomyopathy (DCM). Also called: Dilated Cardiomyopathy. Identifiers: Orphanet 217604, MedGen C0007193, MeSH D002311, MONDO:0005021, HP:0001644. Inheritance: Various modes of inheritance.
Hypertrophic cardiomyopathy. Also called: HYPERTROPHIC MYOCARDIOPATHY. Identifiers: Orphanet 217569, MedGen C0007194, MeSH D002312, MONDO:0005045, HP:0001639.

Allele frequency attached by ClinVar (database versions not stated): gnomAD exomes below 0.00001; TOPMed 0.00002; gnomAD 0.00004.
gnomAD v4.1: 6 of 1,613,992 alleles (0.00037%); highest among the groups gnomAD compares: African/African-American, 0.008%; no homozygotes.

Submissions (3):

Labcorp Genetics (formerly Invitae), Labcorp
Classification: Uncertain significance for Hypertrophic cardiomyopathy; Primary dilated cardiomyopathy. Last evaluated: 2025-02-21. Review status: criteria provided, single submitter. Criteria: Invitae Variant Classification Sherloc (09022015). Collection method: clinical testing. Allele origin: germline.
Comment: This sequence change replaces aspartic acid, which is acidic and polar, with glutamic acid, which is acidic and polar, at codon 199 of the PDLIM3 protein (p.Asp199Glu). This variant is present in population databases (no rsID available, gnomAD 0.05%). This variant has not been reported in the literature in individuals affected with PDLIM3-related conditions. ClinVar contains an entry for this variant (Variation ID: 424420). Invitae Evidence Modeling of protein sequence and biophysical properties (such as structural, functional, and spatial information, amino acid conservation, physicochemical variation, residue mobility, and thermodynamic stability) indicates that this missense variant is not expected to disrupt PDLIM3 protein function with a negative predictive value of 80%. In summary, the available evidence is currently insufficient to determine the role of this variant in disease. Therefore, it has been classified as a Variant of Uncertain Significance.

Ambry Genetics
Classification: Uncertain significance. Last evaluated: 2024-09-11. Review status: criteria provided, single submitter. Criteria: Ambry Variant Classification Scheme 2023. Collection method: clinical testing. Allele origin: germline.
Comment: The p.D199E variant (also known as c.597T>A), located in coding exon 5 of the PDLIM3 gene, results from a T to A substitution at nucleotide position 597. The aspartic acid at codon 199 is replaced by glutamic acid, an amino acid with highly similar properties. This amino acid position is conserved. In addition, this alteration is predicted to be tolerated by in silico analysis. Based on the available evidence, the clinical significance of this variant remains unclear.

GeneDx
Classification: Uncertain significance. Last evaluated: 2017-03-22. Review status: criteria provided, single submitter. Criteria: GeneDx Variant Classification (06012015). Collection method: clinical testing. Allele origin: germline. Affected: yes.
Comment: The D199E variant of uncertain significance in the PDLIM3 gene has not been published as pathogenic or been reported as benign to our knowledge. This variant is not observed in large population cohorts (Lek et al., 2016; 1000 Genomes Consortium et al., 2015; Exome Variant Server). This substitution occurs at a position that is conserved across species, and 2/3 in silico algorithms predict this variant is probably damaging to the protein structure/function. However, in the absence of functional mRNA studies, the physiological consequence of this variant cannot be precisely determined. Furthermore, the D199E variant is a conservative amino acid substitution, which is not likely to impact secondary protein structure as these residues share similar properties.

NM_014476.6(PDLIM3):c.597T>A (p.Asp199Glu)

Gene: PDLIM3 (PDZ and LIM domain 3; minus strand). Cytogenetic location: 4q35.1.
Variant type: single nucleotide variant.
Coding change: c.597T>A on transcript NM_014476.6 (MANE Select); coding-DNA position 597, T replaced by A.
Protein change: p.Asp199Glu; replaces aspartic acid 199 with glutamic acid.
Molecular consequence: missense variant. On other transcripts: intron variant (3).
Genome position (GRCh38, 1-based): chr4:185,508,364, A>T on the plus strand (T>A on the coding strand, the complement: PDLIM3 is on the minus strand). VCF-style: chr4-185508364-A-T. GRCh37 (hg19) VCF-style: chr4-186429518-A-T.
Other names: c.597T>A (NM_014476.4); c.162-1712T>A (NM_001257963.2); c.399-1712T>A (NM_001257962.2); c.519-1712T>A (NM_001114107.5); short protein forms D199E.
Identifiers: ClinVar variation 424420 (VCV000424420.8), dbSNP rs1064796959, ClinGen allele CA16618039.